The following is an entry in ClinVar:

NM_000057.4(BLM):c.1095G>A (p.Gln365=)

Gene: BLM (BLM RecQ like helicase; plus strand). Cytogenetic location: 15q26.1.
Variant type: single nucleotide variant.
Coding change: c.1095G>A on transcript NM_000057.4 (MANE Select); coding-DNA position 1095, G replaced by A.
Protein change: p.Gln365=; no amino-acid change (glutamine 365 retained).
Molecular consequence: synonymous variant. On other transcripts: 5 prime UTR variant (1).
Genome position (GRCh38, 1-based): chr15:90,760,154, G>A. VCF-style: chr15-90760154-G-A. GRCh37 (hg19) VCF-style: chr15-91303384-G-A.
Other names: c.1095G>A, p.Gln365= (NM_001287246.2, NM_001287247.2); c.-31G>A (NM_001287248.2).
Identifiers: ClinVar variation 1907135 (VCV001907135.6), dbSNP rs2151157132, ClinGen allele CA492158366.

ClinVar aggregate classification (germline): Conflicting classifications of pathogenicity. Review status: criteria provided, conflicting classifications (1 of 4 stars). 2 submissions from 2 submitters: Uncertain significance (1); Likely benign (1). Last evaluated 2024-12-30.

Conditions:
Hereditary cancer-predisposing syndrome. Also called: Neoplastic Syndromes, Hereditary; Hereditary Cancer Syndrome; Tumor predisposition; Hereditary neoplastic syndrome. Identifiers: Orphanet 140162, MedGen C0027672, MeSH D009386, MONDO:0015356.
Bloom syndrome (BLM). Also called: Bloom-Torre-Machacek syndrome. Identifiers: Orphanet 125, MedGen C0005859, MONDO:0008876, OMIM 210900.

Submissions (2):

Ambry Genetics
Classification: Likely benign for Hereditary cancer-predisposing syndrome. Last evaluated: 2024-12-30. Review status: criteria provided, single submitter. Criteria: Ambry Variant Classification Scheme 2023. Collection method: clinical testing. Allele origin: germline.

Labcorp Genetics (formerly Invitae), Labcorp
Classification: Uncertain significance for Bloom syndrome. Last evaluated: 2022-03-28. Review status: criteria provided, single submitter. Criteria: Invitae Variant Classification Sherloc (09022015). Collection method: clinical testing. Allele origin: germline.
Comment: This sequence change affects codon 365 of the BLM mRNA. It is a 'silent' change, meaning that it does not change the encoded amino acid sequence of the BLM protein. This variant is not present in population databases (gnomAD no frequency). This variant has not been reported in the literature in individuals affected with BLM-related conditions. Algorithms developed to predict the effect of sequence changes on RNA splicing suggest that this variant may disrupt the consensus splice site. In summary, the available evidence is currently insufficient to determine the role of this variant in disease. Therefore, it has been classified as a Variant of Uncertain Significance.